The following is an entry in ClinVar:

ClinVar aggregate classification (germline): Benign/Likely benign. Review status: criteria provided, multiple submitters, no conflicts (2 of 4 stars). 7 submissions from 7 submitters: Benign (1); Likely benign (6). Last evaluated 2026-03-05.

Conditions:
Autosomal recessive limb-girdle muscular dystrophy type 2J (LGMDR10). Also called: Limb-girdle muscular dystrophy, type 2J; MUSCULAR DYSTROPHY, LIMB-GIRDLE, AUTOSOMAL RECESSIVE 10. Identifiers: Orphanet 140922, MedGen C1837342, MONDO:0012127, OMIM 608807.
Dilated cardiomyopathy 1G (CMD1G). Identifiers: Orphanet 154, MedGen C1858763, MONDO:0011400, OMIM 604145.
TTN-related disorder. Also called: TTN-related condition; TTN-related disease; TTN-related disorders.
Cardiovascular phenotype. Identifiers: MedGen CN230736.

Allele frequency attached by ClinVar (database versions not stated): 1000 Genomes Project 30x 0.00078; gnomAD below 0.00001 and 0.00008; TOPMed 0.00001; gnomAD exomes 0.00012 and 0.00027; ExAC 0.00030; 1000 Genomes Project 0.00060.
gnomAD v4.1: 193 of 1,614,136 alleles (0.012%); highest among the groups gnomAD compares: South Asian, 0.2%; 2 homozygotes.

Submissions (7):

PreventionGenetics, part of Exact Sciences
Classification: Likely benign for TTN-related condition. Last evaluated: 2026-03-05. Review status: criteria provided, single submitter. Criteria: ACMG Guidelines, 2015. Collection method: clinical testing. Allele origin: germline.
Comment: This variant is classified as likely benign based on ACMG/AMP sequence variant interpretation guidelines (Richards et al. 2015 PMID: 25741868, with internal and published modifications).

Labcorp Genetics (formerly Invitae), Labcorp
Classification: Likely benign for Dilated cardiomyopathy 1G; Autosomal recessive limb-girdle muscular dystrophy type 2J. Last evaluated: 2026-01-25. Review status: criteria provided, single submitter. Criteria: Invitae Variant Classification Sherloc (09022015). Collection method: clinical testing. Allele origin: germline.

Molecular Diagnostic Laboratory for Inherited Cardiovascular Disease, Montreal Heart Institute
Classification: Likely benign. Last evaluated: 2025-04-09. Review status: criteria provided, single submitter. Criteria: ACMG Guidelines, 2015. Collection method: clinical testing. Allele origin: germline. Affected: no.
Comment: BP1;BP6

Blueprint Genetics
Classification: Likely benign. Last evaluated: 2024-03-20. Review status: criteria provided, single submitter. Criteria: ACMG Guidelines, 2015. Collection method: clinical testing. Allele origin: germline.

Women's Health and Genetics/Laboratory Corporation of America, LabCorp
Classification: Likely benign. Last evaluated: 2022-04-11. Review status: criteria provided, single submitter. Criteria: LabCorp Variant Classification Summary - May 2015. Collection method: clinical testing. Allele origin: germline.
Comment: Variant summary: TTN c.8231G>C (p.Gly2744Ala) results in a non-conservative amino acid change located in the I-band of the encoded protein sequence. Five of five in-silico tools predict a damaging effect of the variant on protein function. The variant allele was found at a frequency of 0.00027 in 251174 control chromosomes, predominantly at a frequency of 0.0022 within the South Asian subpopulation in the gnomAD database. The observed variant frequency within South Asian control individuals in the gnomAD database is approximately 6 fold of the estimated maximal expected allele frequency for a pathogenic variant in TTN causing Dilated Cardiomyopathy phenotype (0.00039), strongly suggesting that the variant is a benign polymorphism found primarily in populations of South Asian origin. To our knowledge, no occurrence of c.8231G>C in individuals affected with Dilated Cardiomyopathy and no experimental evidence demonstrating its impact on protein function have been reported. Two ClinVar submitters (evaluation after 2014) cite the variant as likely benign. Based on the evidence outlined above, the variant was classified as likely benign.

Ambry Genetics
Classification: Benign for Cardiovascular phenotype. Last evaluated: 2020-03-31. Review status: criteria provided, single submitter. Criteria: Ambry Variant Classification Scheme 2023. Collection method: clinical testing. Allele origin: germline.

GeneDx
Classification: Likely benign. Last evaluated: 2018-01-29. Review status: criteria provided, single submitter. Criteria: GeneDx Variant Classification (06012015). Collection method: clinical testing. Allele origin: germline. Affected: yes.
Comment: This variant is considered likely benign or benign based on one or more of the following criteria: it is a conservative change, it occurs at a poorly conserved position in the protein, it is predicted to be benign by multiple in silico algorithms, and/or has population frequency not consistent with disease.

NM_001267550.2(TTN):c.8231G>C (p.Gly2744Ala)

Gene: TTN (titin; minus strand). Cytogenetic location: 2q31.2.
Variant type: single nucleotide variant.
Coding change: c.8231G>C on transcript NM_001267550.2 (MANE Select); coding-DNA position 8231, G replaced by C.
Protein change: p.Gly2744Ala; replaces glycine 2744 with alanine.
Molecular consequence: missense variant.
Genome position (GRCh38, 1-based): chr2:178,770,561, C>G on the plus strand (G>C on the coding strand, the complement: TTN is on the minus strand). VCF-style: chr2-178770561-C-G. GRCh37 (hg19) VCF-style: chr2-179635288-C-G.
Other names: c.8231G>C, p.Gly2744Ala (NM_001256850.1, NM_133378.4, NM_133379.5); c.8093G>C, p.Gly2698Ala (NM_003319.4, NM_133432.3, NM_133437.4); short protein forms G2744A, G2698A.
Identifiers: ClinVar variation 514880 (VCV000514880.15), dbSNP rs556908341, ClinGen allele CA2004628.